The following is an entry in ClinVar:

NM_001329943.3(KIAA0586):c.3997G>A (p.Glu1333Lys)

Gene: KIAA0586 (KIAA0586; plus strand). Cytogenetic location: 14q23.1.
Variant type: single nucleotide variant.
Coding change: c.3997G>A on transcript NM_001329943.3 (MANE Select); coding-DNA position 3997, G replaced by A.
Protein change: p.Glu1333Lys; replaces glutamic acid 1333 with lysine.
Molecular consequence: missense variant.
Genome position (GRCh38, 1-based): chr14:58,498,789, G>A. VCF-style: chr14-58498789-G-A. GRCh37 (hg19) VCF-style: chr14-58965507-G-A.
Other names: c.4156G>A, p.Glu1386Lys (NM_001244189.2); c.3952G>A, p.Glu1318Lys (NM_001244190.2); c.3742G>A, p.Glu1248Lys (NM_001244191.2, NM_001329945.2, NM_001364700.1 and 1 more transcripts); c.3865G>A, p.Glu1289Lys (NM_001244192.2, NM_001329947.2); c.3577G>A, p.Glu1193Lys (NM_001244193.2); c.3997G>A, p.Glu1333Lys (NM_001329944.2, NM_001329946.2); c.3769G>A, p.Glu1257Lys (NM_014749.5); short protein forms E1193K, E1318K, E1386K, E1248K, E1289K, E1257K, E1333K.
Identifiers: ClinVar variation 1904203 (VCV001904203.4), dbSNP rs765938343, ClinGen allele CA7206302.

ClinVar aggregate classification (germline): Uncertain significance (1 of 4 stars; one submission).

Conditions:
Short-rib thoracic dysplasia 14 with polydactyly (SRTD14). Identifiers: Orphanet 397715, MedGen C4225286, MONDO:0014688, OMIM 616546.
Joubert syndrome 23 (JBTS23). Identifiers: Orphanet 475, MedGen C4084822, MONDO:0014664, OMIM 616490.

Allele frequency attached by ClinVar (database versions not stated): ExAC 0.00002; gnomAD 0.00003; TOPMed 0.00003.

Submission:

Labcorp Genetics (formerly Invitae), Labcorp
Classification: Uncertain significance for Joubert syndrome 23; Short-rib thoracic dysplasia 14 with polydactyly. Last evaluated: 2024-10-29. Review status: criteria provided, single submitter. Criteria: Invitae Variant Classification Sherloc (09022015). Collection method: clinical testing. Allele origin: germline.
Comment: This sequence change replaces glutamic acid, which is acidic and polar, with lysine, which is basic and polar, at codon 1386 of the KIAA0586 protein (p.Glu1386Lys). The frequency data for this variant in the population databases is considered unreliable, as metrics indicate poor data quality at this position in the gnomAD database. This variant has not been reported in the literature in individuals affected with KIAA0586-related conditions. ClinVar contains an entry for this variant (Variation ID: 1904203). Invitae Evidence Modeling of protein sequence and biophysical properties (such as structural, functional, and spatial information, amino acid conservation, physicochemical variation, residue mobility, and thermodynamic stability) indicates that this missense variant is expected to disrupt KIAA0586 protein function with a positive predictive value of 80%. In summary, the available evidence is currently insufficient to determine the role of this variant in disease. Therefore, it has been classified as a Variant of Uncertain Significance.